The following is an entry in ClinVar:

ClinVar aggregate classification (germline): Conflicting classifications of pathogenicity. Review status: criteria provided, conflicting classifications (1 of 4 stars). 13 submissions from 13 submitters: VUS-mid (1); Benign (1); Likely benign (9). 2 of the submissions do not count toward it. Last evaluated 2026-08-01.

Conditions:
Hereditary cancer-predisposing syndrome. Also called: Neoplastic Syndromes, Hereditary; Tumor predisposition; Hereditary Cancer Syndrome; Hereditary neoplastic syndrome. Identifiers: Orphanet 140162, MedGen C0027672, MeSH D009386, MONDO:0015356.
Familial pancreatic carcinoma. Identifiers: Orphanet 1333, MedGen C2931038, MONDO:0015278, OMIM 260350.
Hereditary breast ovarian cancer syndrome. Also called: Hereditary breast and ovarian cancer syndrome (HBOC); Hereditary breast and ovarian cancer; BRCA1- and BRCA2-Associated Hereditary Breast and Ovarian Cancer; Breast and ovarian cancer; Hereditary breast and/or ovarian cancer syndrome; Hereditary breast and ovarian cancer syndrome. Identifiers: Orphanet 145, MedGen C0677776, MeSH D061325, MONDO:0003582. Disease mechanism: loss of function.
Breast-ovarian cancer, familial, susceptibility to, 2 (BROVCA2). Also called: BRCA2 Hereditary Breast and Ovarian Cancer. Identifiers: Orphanet 145, MedGen C2675520, MONDO:0012933, OMIM 612555. Disease mechanism: loss of function.

Allele frequency attached by ClinVar (database versions not stated): TOPMed 0.00002; ExAC 0.00002; gnomAD exomes 0.00001 and 0.00003; gnomAD 0.00002.
gnomAD v4.1: 13 of 1,613,740 alleles (0.00081%); highest among the groups gnomAD compares: Admixed American, 0.01%; no homozygotes.

Submissions (13):

Dr. Zeinali's Medical Genetics Lab, Kawsar Human Genetics Research Center
Classification: VUS-mid for Breast-ovarian cancer, familial, susceptibility to, 2. Last evaluated: 2026-08-01. Review status: criteria provided, single submitter. Criteria: ACMG Guidelines, 2015. Collection method: clinical testing. Allele origin: germline. Inheritance: Autosomal dominant inheritance. Affected: yes. Observed: 1 variant allele, 1 heterozygote.
Comment: The tumors were reported as ER-positive, PR-positive, and HER2 equivocal. The variant is absent or extremely rare in large population databases. Multiple in silico prediction tools provide concordant evidence for a potentially deleterious effect on the BRCA2 protein. The variant has also been submitted to ClinVar with a Likely Benign interpretation by some laboratories. However, the available clinical, population, and computational evidence does not establish a definitive association between the variant and the observed phenotype. Based on the currently available evidence and its overall interpretation, the BRCA2 NM_000059.4:c.5474C>T (p.Ala1825Val) variant is classified as a Variant of Uncertain Significance (VUS).

Labcorp Genetics (formerly Invitae), Labcorp
Classification: Likely benign for Hereditary breast ovarian cancer syndrome. Last evaluated: 2026-01-06. Review status: criteria provided, single submitter. Criteria: Invitae Variant Classification Sherloc (09022015). Collection method: clinical testing. Allele origin: germline.

Women's Health and Genetics/Laboratory Corporation of America, LabCorp
Classification: Likely benign. Last evaluated: 2025-10-13. Review status: criteria provided, single submitter. Criteria: LabCorp Variant Classification Summary - May 2015. Collection method: clinical testing. Allele origin: germline.
Comment: Variant summary: BRCA2 c.5474C>T (p.Ala1825Val) results in a non-conservative amino acid change in the encoded protein sequence. Algorithms developed to predict the effect of missense changes on protein structure and function are either unavailable or do not agree on the potential impact of this missense change. The variant allele was found at a frequency of 2.9e-05 in 273532 control chromosomes. The available data on variant occurrences in the general population are insufficient to allow any conclusion about variant significance. In a large case-control association study the variant was not detected in any of the breast cancer cases but was detected in controls, and was assigned a classification of Benign (Momozawa_2018). Furthermore, a publication involving the ENIGMA network of collaborators (Parsons_2019) assigned a classification of Likely Benign based on likelihood ratios (LRs) for pathogenicity estimated from clinical data of co-occurrence, family history and bioinformatic predictions. To our knowledge, no experimental evidence demonstrating an impact on protein function has been reported. The following publications have been ascertained in the context of this evaluation (PMID: 30287823, 31112341, 31131967, 30212499, 40257527). ClinVar contains an entry for this variant (Variation ID: 37968). Based on the evidence outlined above, the variant was classified as likely benign.

Blueprint Genetics
Classification: Likely benign. Last evaluated: 2023-04-05. Review status: criteria provided, single submitter. Criteria: ACMG Guidelines, 2015. Collection method: clinical testing. Allele origin: germline.

University of Washington Department of Laboratory Medicine, University of Washington
Classification: Likely benign for Hereditary cancer-predisposing syndrome. Last evaluated: 2023-03-23. Review status: criteria provided, single submitter. Criteria: Dines et al. (Genet Med. 2020). Collection method: curation. Allele origin: germline.
Comment: Missense variant in a coldspot region where missense variants are very unlikely to be pathogenic (PMID:31911673).

BRCA2 exon 11 coldspot. Reclassification based on statistical prior probability.

Department of Pathology and Laboratory Medicine, Sinai Health System
Classification: Likely benign for Familial pancreatic carcinoma. Last evaluated: 2021-11-11. Review status: criteria provided, single submitter. Criteria: ACMG Guidelines, 2015. Collection method: clinical testing. Allele origin: germline. Affected: yes.

ARUP Laboratories, Molecular Genetics and Genomics, ARUP Laboratories
Classification: Likely benign. Last evaluated: 2021-10-07. Review status: criteria provided, single submitter. Criteria: ARUP Molecular Germline Variant Investigation Process 2021. Collection method: clinical testing. Allele origin: germline.

Quest Diagnostics Nichols Institute San Juan Capistrano
Classification: Likely benign. Last evaluated: 2020-07-20. Review status: criteria provided, single submitter. Criteria: Quest Diagnostics criteria. Collection method: clinical testing. Allele origin: unknown.

GeneDx
Classification: Likely benign. Last evaluated: 2019-10-14. Review status: criteria provided, single submitter. Criteria: GeneDx Variant Classification Process June 2021. Collection method: clinical testing. Allele origin: germline. Affected: yes.

Ambry Genetics
Classification: Likely benign for Hereditary cancer-predisposing syndrome. Last evaluated: 2018-05-10. Review status: criteria provided, single submitter. Criteria: Ambry Variant Classification Scheme 2023. Collection method: clinical testing. Allele origin: germline.

Color Diagnostics, LLC DBA Color Health
Classification: Benign for Hereditary cancer-predisposing syndrome. Last evaluated: 2017-02-17. Review status: criteria provided, single submitter. Criteria: ACMG Guidelines, 2015. Collection method: clinical testing. Allele origin: germline.

Counsyl
Classification: Uncertain significance for Breast-ovarian cancer, familial, susceptibility to, 2. Last evaluated: 2017-01-18. Review status: no assertion criteria provided. Collection method: clinical testing. Allele origin: unknown. Not counted in ClinVar's aggregate classification.

Sharing Clinical Reports Project (SCRP)
Classification: Benign for Breast-ovarian cancer, familial 2. Last evaluated: 2012-03-27. Review status: no assertion criteria provided. Collection method: clinical testing. Allele origin: germline. Not counted in ClinVar's aggregate classification.

Literature cited by the submitters: PubMed 30287823 (cited by Women's Health and Genetics/Laboratory Corporation of America, LabCorp and Department of Pathology and Laboratory Medicine, Sinai Health System); PubMed 30212499 (cited by Women's Health and Genetics/Laboratory Corporation of America, LabCorp); PubMed 31131967 (cited by 3 submitters); PubMed 31112341 (cited by Women's Health and Genetics/Laboratory Corporation of America, LabCorp); PubMed 40257527 (cited by Women's Health and Genetics/Laboratory Corporation of America, LabCorp).

NM_000059.4(BRCA2):c.5474C>T (p.Ala1825Val)

Gene: BRCA2 (BRCA2 DNA repair associated; plus strand). Cytogenetic location: 13q13.1.
Variant type: single nucleotide variant.
Coding change: c.5474C>T on transcript NM_000059.4 (MANE Select); coding-DNA position 5474, C replaced by T.
Protein change: p.Ala1825Val; replaces alanine 1825 with valine.
Molecular consequence: missense variant.
Genome position (GRCh38, 1-based): chr13:32,339,829, C>T. VCF-style: chr13-32339829-C-T. GRCh37 (hg19) VCF-style: chr13-32913966-C-T.
Other names: 5702C>T; short protein forms A1825V.
Identifiers: ClinVar variation 37968 (VCV000037968.38), dbSNP rs397507352, ClinGen allele CA022409.